The following is an entry in ClinVar:

ClinVar aggregate classification (germline): Uncertain significance (1 of 4 stars; one submission).

Submission:

Women's Health and Genetics/Laboratory Corporation of America, LabCorp
Classification: Uncertain significance. Last evaluated: 2025-02-04. Review status: criteria provided, single submitter. Criteria: LabCorp Variant Classification Summary - May 2015. Collection method: clinical testing. Allele origin: germline.
Comment: Variant summary: ACAN c.3065C>A (p.Thr1022Asn) results in a non-conservative amino acid change in the encoded protein sequence. Three of five in-silico tools predict a benign effect of the variant on protein function. The variant was absent in 5800 control chromosomes. The available data on variant occurrences in the general population are insufficient to allow any conclusion about variant significance. To our knowledge, no occurrence of c.3065C>A in individuals affected with ACAN-Related Disorders and no experimental evidence demonstrating its impact on protein function have been reported. No submitters have cited clinical-significance assessments for this variant to ClinVar. Based on the evidence outlined above, the variant was classified as uncertain significance.

NM_001369268.1(ACAN):c.3065C>A (p.Thr1022Asn)

Gene: ACAN (aggrecan; plus strand). Cytogenetic location: 15q26.1.
Variant type: single nucleotide variant.
Coding change: c.3065C>A on transcript NM_001369268.1 (MANE Select); coding-DNA position 3065, C replaced by A.
Protein change: p.Thr1022Asn; replaces threonine 1022 with asparagine.
Molecular consequence: missense variant.
Genome position (GRCh38, 1-based): chr15:88,855,650, C>A. VCF-style: chr15-88855650-C-A. GRCh37 (hg19) VCF-style: chr15-89398881-C-A.
Other names: c.3065C>A, p.Thr1022Asn (NM_001135.4, NM_001411096.1, NM_001411097.1 and 1 more transcripts); short protein forms T1022N.
Identifiers: ClinVar variation 3768767 (VCV003768767.1).